The following is an entry in ClinVar:

NM_014953.5(DIS3):c.1486G>A (p.Glu496Lys)

Gene: DIS3 (DIS3 exosome endoribonuclease and 3''-5'' exoribonuclease; minus strand). Cytogenetic location: 13q21.33.
Variant type: single nucleotide variant.
Coding change: c.1486G>A on transcript NM_014953.5 (MANE Select); coding-DNA position 1486, G replaced by A.
Protein change: p.Glu496Lys; replaces glutamic acid 496 with lysine.
Molecular consequence: missense variant.
Genome position (GRCh38, 1-based): chr13:72,772,176, C>T on the plus strand (G>A on the coding strand, the complement: DIS3 is on the minus strand). VCF-style: chr13-72772176-C-T. GRCh37 (hg19) VCF-style: chr13-73346314-C-T.
Other names: c.1396G>A, p.Glu466Lys (NM_001128226.3); c.1117G>A, p.Glu373Lys (NM_001322348.2); c.1000G>A, p.Glu334Lys (NM_001322349.2); short protein forms E334K, E373K, E466K, E496K.
Identifiers: ClinVar variation 4082416 (VCV004082416.2).

ClinVar aggregate classification (germline): Uncertain significance (1 of 4 stars; one submission).

gnomAD v4.1: 31 of 1,612,560 alleles (0.0019%); highest among the groups gnomAD compares: African/African-American, 0.017%; no homozygotes.

Submission:

Genetic Services Laboratory, University of Chicago
Classification: Uncertain significance. Last evaluated: 2023-03-03. Review status: criteria provided, single submitter. Criteria: ACMG Guidelines, 2015. Collection method: clinical testing. Allele origin: germline. Affected: no.
Comment: DNA sequence analysis of the DIS3 gene demonstrated a sequence change, c.1486G>A, in exon 10 that results in an amino acid change, p.Glu496Lys. This sequence change does not appear to have been previously described in individuals with DIS3-related disorders. This sequence change has been described in the gnomAD database with a global frequency of 0.003% (dbSNP rs575448022). The p.Glu496Lys change affects a moderately conserved amino acid residue located in a domain of the DIS3 protein that is not known to be functional. The p.Glu496Lys substitution appears to be benign using several in-silico pathogenicity prediction tools (SIFT, PolyPhen2, Align GVGD, REVEL). Due to insufficient evidences and the lack of functional studies, the clinical significance of the p.Glu496Lys change remains unknown at this time.